The following is an entry in ClinVar:

NM_000214.3(JAG1):c.113A>C (p.Glu38Ala)

Gene: JAG1 (jagged canonical Notch ligand 1; minus strand). Cytogenetic location: 20p12.2.
Variant type: single nucleotide variant.
Coding change: c.113A>C on transcript NM_000214.3 (MANE Select); coding-DNA position 113, A replaced by C.
Protein change: p.Glu38Ala; replaces glutamic acid 38 with alanine.
Molecular consequence: missense variant.
Genome position (GRCh38, 1-based): chr20:10,672,975, T>G on the plus strand (A>C on the coding strand, the complement: JAG1 is on the minus strand). VCF-style: chr20-10672975-T-G. GRCh37 (hg19) VCF-style: chr20-10653623-T-G.
Other names: short protein forms E38A.
Identifiers: ClinVar variation 3573235 (VCV003573235.2).

Conditions:
Arteriohepatic dysplasia. Also called: Alagille Syndrome. Identifiers: Orphanet 52, MedGen C0085280, MeSH D016738, MONDO:0007318.

Submission:

Gilbert/Spinner Lab, Children's Hospital of Philadelphia
No classification provided (evidence only). Condition: Alagille syndrome. Review status: no classification provided. Collection method: research. Allele origin: not applicable. Functional consequence: functionally_abnormal.
ClinVar note: "not provided" was previously submitted as the classification for the variant. However, the classification appeared to be based only on an observation of functional data so it was converted to no classification on 2025-07-30.